The following is an entry in ClinVar:

ClinVar aggregate classification (germline): Uncertain significance. Review status: criteria provided, multiple submitters, no conflicts (2 of 4 stars). 2 submissions from 2 submitters: Uncertain significance (2). Last evaluated 2019-12-05.

Submissions (2):

Blueprint Genetics
Classification: Uncertain significance. Last evaluated: 2019-12-05. Review status: criteria provided, single submitter. Criteria: ACMG Guidelines, 2015. Collection method: clinical testing. Allele origin: germline.

GeneDx
Classification: Uncertain significance. Last evaluated: 2017-08-15. Review status: criteria provided, single submitter. Criteria: GeneDx Variant Classification (06012015). Collection method: clinical testing. Allele origin: germline. Affected: yes.
Comment: p.Pro1521Thr (CCA>ACA): c.4561 C>A (NM_000138.4) The P1521T variant in the FBN1 gene has not been reported as a disease-causing mutation or as a benign polymorphism to our knowledge. P1521T results in a non-conservative amino acid substitution of a non-polar Proline residue for a polar Threonine residue at a position that is highly conserved across species. Other missense mutations in nearby residues (C1526S, C1526Y, D1528Y) have been reported in association with Marfan syndrome or other FBN1-related disorders, supporting the functional importance of this region of the protein. The P1521T variant was not observed in approximately 6,500 individuals of European and African American ancestry in the NHLBI Exome Sequencing Project, indicating it is not a common benign variant in these populations. In silico algorithms are not consistent in their predictions but at least two concur that P1521T is damaging to the protein structure/function.Therefore, based on the currently available clinical and molecular information, it is unclear whether this variant is a pathogenic mutation or a rare benign variant. The variant is found in TAAD panel(s).

NM_000138.5(FBN1):c.4561C>A (p.Pro1521Thr)

Gene: FBN1 (fibrillin 1; minus strand). Cytogenetic location: 15q21.1.
Variant type: single nucleotide variant.
Coding change: c.4561C>A on transcript NM_000138.5 (MANE Select); coding-DNA position 4561, C replaced by A.
Protein change: p.Pro1521Thr; replaces proline 1521 with threonine.
Molecular consequence: missense variant.
Genome position (GRCh38, 1-based): chr15:48,468,433, G>T on the plus strand (C>A on the coding strand, the complement: FBN1 is on the minus strand). VCF-style: chr15-48468433-G-T. GRCh37 (hg19) VCF-style: chr15-48760630-G-T.
Other names: p.P1521T:CCA>ACA; short protein forms P1521T.
Identifiers: ClinVar variation 200050 (VCV000200050.3), dbSNP rs794728226, ClinGen allele CA015194.